The following is an entry in ClinVar:

NM_177400.3(NKX6-2):c.525C>G (p.Gly175=)

Gene: NKX6-2 (NK6 homeobox 2; minus strand). Cytogenetic location: 10q26.3.
Variant type: single nucleotide variant.
Coding change: c.525C>G on transcript NM_177400.3 (MANE Select); coding-DNA position 525, C replaced by G.
Protein change: p.Gly175=; no amino-acid change (glycine 175 retained).
Molecular consequence: synonymous variant.
Genome position (GRCh38, 1-based): chr10:132,785,334, G>C on the plus strand (C>G on the coding strand, the complement: NKX6-2 is on the minus strand). VCF-style: chr10-132785334-G-C. GRCh37 (hg19) VCF-style: chr10-134598838-G-C.
Identifiers: ClinVar variation 2057339 (VCV002057339.10), dbSNP rs757893789, ClinGen allele CA5756089.
Genomic context (GRCh38, chr10:132,785,334, plus strand): 5'-GCTCACCTTCACCTGGCTCTCGGTCATGCCCAGCGAGTAGGCGAGACGCGCGCGCTCCGG[G>C]CCCGCCAGGTACTTGGTCTGCTCGAAGGTTTTCTCCAGCGCGAAGATCTGCTGGCCCGAG-3'
Protein context (NP_796374.2, residues 165-185): KTFEQTKYLA[Gly175=]PERARLAYSL

ClinVar aggregate classification (germline): Likely benign. Review status: criteria provided, multiple submitters, no conflicts (2 of 4 stars). 2 submissions from 2 submitters: Likely benign (2). Last evaluated 2025-11-01.

Allele frequency attached by ClinVar (database versions not stated): ExAC 0.00006; TOPMed 0.00016.

Submissions (2):

CeGaT Center for Human Genetics Tuebingen
Classification: Likely benign. Last evaluated: 2025-11-01. Review status: criteria provided, single submitter. Criteria: CeGaT Center For Human Genetics Tuebingen Variant Classification Criteria Version 2. Collection method: clinical testing. Allele origin: germline. Affected: yes. Observed: 1 variant allele.
Comment: NKX6-2: BP4, BP7

Labcorp Genetics (formerly Invitae), Labcorp
Classification: Likely benign. Last evaluated: 2021-12-08. Review status: criteria provided, single submitter. Criteria: Invitae Variant Classification Sherloc (09022015). Collection method: clinical testing. Allele origin: germline.